The following is an entry in ClinVar:

NM_198578.4(LRRK2):c.1523T>C (p.Ile508Thr)

Gene: LRRK2 (leucine rich repeat kinase 2; plus strand). Cytogenetic location: 12q12.
Variant type: single nucleotide variant.
Coding change: c.1523T>C on transcript NM_198578.4 (MANE Select); coding-DNA position 1523, T replaced by C.
Protein change: p.Ile508Thr; replaces isoleucine 508 with threonine.
Molecular consequence: missense variant.
Genome position (GRCh38, 1-based): chr12:40,259,584, T>C. VCF-style: chr12-40259584-T-C. GRCh37 (hg19) VCF-style: chr12-40653386-T-C.
Other names: short protein forms I508T.
Identifiers: ClinVar variation 2567411 (VCV002567411.2), dbSNP rs2499550945, ClinGen allele CA384411713.

ClinVar aggregate classification (germline): Uncertain significance (1 of 4 stars; one submission).

Conditions:
Inborn genetic diseases. Identifiers: MedGen C0950123, MeSH D030342.

Submission:

Ambry Genetics
Classification: Uncertain significance for Inborn genetic diseases. Last evaluated: 2023-05-20. Review status: criteria provided, single submitter. Criteria: Ambry Variant Classification Scheme 2023. Collection method: clinical testing. Allele origin: germline.
Comment: The p.I508T variant (also known as c.1523T>C), located in coding exon 13 of the LRRK2 gene, results from a T to C substitution at nucleotide position 1523. The isoleucine at codon 508 is replaced by threonine, an amino acid with similar properties. This amino acid position is conserved. In addition, this alteration is predicted to be tolerated by in silico analysis. Since supporting evidence is limited at this time, the clinical significance of this alteration remains unclear.